The following is an entry in ClinVar:

NM_007215.4(POLG2):c.1120C>T (p.Leu374Phe)

Genes: MILR1 (mast cell immunoglobulin like receptor 1; plus strand), POLG2 (DNA polymerase gamma 2, accessory subunit; minus strand). Cytogenetic location: 17q23.3.
Variant type: single nucleotide variant.
Coding change: c.1120C>T on transcript NM_007215.4 (MANE Select); coding-DNA position 1120, C replaced by T.
Protein change: p.Leu374Phe; replaces leucine 374 with phenylalanine.
Molecular consequence: missense variant.
Genome position (GRCh38, 1-based): chr17:64,482,990, G>A on the plus strand (C>T on the coding strand, the complement: POLG2 is on the minus strand). VCF-style: chr17-64482990-G-A. GRCh37 (hg19) VCF-style: chr17-62479107-G-A.
Other names: short protein forms L374F.
Identifiers: ClinVar variation 1413348 (VCV001413348.6), dbSNP rs2144142259, ClinGen allele CA400637103.

ClinVar aggregate classification (germline): Uncertain significance (1 of 4 stars; one submission).

Submission:

Labcorp Genetics (formerly Invitae), Labcorp
Classification: Uncertain significance. Last evaluated: 2021-08-26. Review status: criteria provided, single submitter. Criteria: Invitae Variant Classification Sherloc (09022015). Collection method: clinical testing. Allele origin: germline.
Comment: This sequence change replaces leucine with phenylalanine at codon 374 of the POLG2 protein (p.Leu374Phe). The leucine residue is highly conserved and there is a small physicochemical difference between leucine and phenylalanine. This variant is not present in population databases (ExAC no frequency). This variant has not been reported in the literature in individuals affected with POLG2-related conditions. Algorithms developed to predict the effect of missense changes on protein structure and function are either unavailable or do not agree on the potential impact of this missense change (SIFT: "Deleterious"; PolyPhen-2: "Probably Damaging"; Align-GVGD: "Class C0"). In summary, the available evidence is currently insufficient to determine the role of this variant in disease. Therefore, it has been classified as a Variant of Uncertain Significance.